The following is an entry in ClinVar:

ClinVar aggregate classification (germline): Uncertain significance (1 of 4 stars; one submission).

Conditions:
Familial thoracic aortic aneurysm and aortic dissection (TAAD). Also called: Thoracic aortic aneurysms and dissections. Identifiers: Orphanet 91387, MedGen C4707243, MONDO:0019625.

Submission:

Labcorp Genetics (formerly Invitae), Labcorp
Classification: Uncertain significance for Familial thoracic aortic aneurysm and aortic dissection. Last evaluated: 2023-05-23. Review status: criteria provided, single submitter. Criteria: Invitae Variant Classification Sherloc (09022015). Collection method: clinical testing. Allele origin: germline.
Comment: This sequence change replaces glycine, which is neutral and non-polar, with glutamic acid, which is acidic and polar, at codon 3 of the MAT2A protein (p.Gly3Glu). This variant is not present in population databases (gnomAD no frequency). This variant has not been reported in the literature in individuals affected with MAT2A-related conditions. ClinVar contains an entry for this variant (Variation ID: 951247). An algorithm developed to predict the effect of missense changes on protein structure and function (PolyPhen-2) suggests that this variant is likely to be tolerated. In summary, the available evidence is currently insufficient to determine the role of this variant in disease. Therefore, it has been classified as a Variant of Uncertain Significance.

NM_005911.6(MAT2A):c.8G>A (p.Gly3Glu)

Gene: MAT2A (methionine adenosyltransferase 2A; plus strand). Cytogenetic location: 2p11.2.
Variant type: single nucleotide variant.
Coding change: c.8G>A on transcript NM_005911.6 (MANE Select); coding-DNA position 8, G replaced by A.
Protein change: p.Gly3Glu; replaces glycine 3 with glutamic acid.
Molecular consequence: missense variant.
Genome position (GRCh38, 1-based): chr2:85,539,295, G>A. VCF-style: chr2-85539295-G-A. GRCh37 (hg19) VCF-style: chr2-85766418-G-A.
Other names: short protein forms G3E.
Identifiers: ClinVar variation 951247 (VCV000951247.9), dbSNP rs1691387581, ClinGen allele CA347475113.